The following is an entry in ClinVar:

NM_024678.6(NARS2):c.844G>A (p.Ala282Thr)

Gene: NARS2 (asparaginyl-tRNA synthetase 2, mitochondrial; minus strand). Cytogenetic location: 11q14.1.
Variant type: single nucleotide variant.
Coding change: c.844G>A on transcript NM_024678.6 (MANE Select); coding-DNA position 844, G replaced by A.
Protein change: p.Ala282Thr; replaces alanine 282 with threonine.
Molecular consequence: missense variant.
Genome position (GRCh38, 1-based): chr11:78,478,662, C>T on the plus strand (G>A on the coding strand, the complement: NARS2 is on the minus strand). VCF-style: chr11-78478662-C-T. GRCh37 (hg19) VCF-style: chr11-78189708-C-T.
Other names: c.163G>A, p.Ala55Thr (NM_001243251.2); short protein forms A282T, A55T.
Identifiers: ClinVar variation 288867 (VCV000288867.8), dbSNP rs146900529, ClinGen allele CA6205680.
Genomic context (GRCh38, chr11:78,478,662, plus strand): 5'-TGAATTTGTGACAGAGTTCAACATCTTCAGGACATTTTGAGAGAACCATCATTGTTGTAG[C>T]CTTGAACAGTTCCTCTATAACCTAAGAGAAATGAAATAGAATCACCTGACACGTAAGCAA-3'
Protein context (NP_078954.4, residues 272-292): LMQVIEELFK[Ala282Thr]TTMMVLSKCP

ClinVar aggregate classification (germline): Conflicting classifications of pathogenicity. Review status: criteria provided, conflicting classifications (1 of 4 stars). 4 submissions from 4 submitters: Uncertain significance (3); Likely benign (1). Last evaluated 2025-04-11.

Conditions:
Hearing loss, autosomal recessive 94. Also called: Deafness, autosomal recessive 94. Identifiers: MedGen C5193096, MONDO:0032749, OMIM 618434.
Inborn genetic diseases. Identifiers: MedGen C0950123, MeSH D030342.

Allele frequency attached by ClinVar (database versions not stated): ESP Exome Variant Server 0.00015; gnomAD 0.00004; TOPMed 0.00005.
gnomAD v4.1: 77 of 1,609,954 alleles (0.0048%); highest among the groups gnomAD compares: Middle Eastern, 0.18%; no homozygotes.

Submissions (4):

Ambry Genetics
Classification: Likely benign for Inborn genetic diseases. Last evaluated: 2025-04-11. Review status: criteria provided, single submitter. Criteria: Ambry Variant Classification Scheme 2023. Collection method: clinical testing. Allele origin: germline.

Labcorp Genetics (formerly Invitae), Labcorp
Classification: Uncertain significance. Last evaluated: 2022-05-24. Review status: criteria provided, single submitter. Criteria: Invitae Variant Classification Sherloc (09022015). Collection method: clinical testing. Allele origin: germline.
Comment: This sequence change replaces alanine, which is neutral and non-polar, with threonine, which is neutral and polar, at codon 282 of the NARS2 protein (p.Ala282Thr). This variant is present in population databases (rs146900529, gnomAD 0.006%). This variant has not been reported in the literature in individuals affected with NARS2-related conditions. ClinVar contains an entry for this variant (Variation ID: 288867). Algorithms developed to predict the effect of missense changes on protein structure and function output the following: SIFT: "Tolerated"; PolyPhen-2: "Benign"; Align-GVGD: "Class C0". The threonine amino acid residue is found in multiple mammalian species, which suggests that this missense change does not adversely affect protein function. In summary, the available evidence is currently insufficient to determine the role of this variant in disease. Therefore, it has been classified as a Variant of Uncertain Significance.

Baylor Genetics
Classification: Uncertain significance for Hearing loss, autosomal recessive 94. Last evaluated: 2019-11-16. Review status: criteria provided, single submitter. Criteria: ACMG Guidelines, 2015. Collection method: clinical testing. Allele origin: unknown. Affected: yes.
Comment: This variant was determined to be of uncertain significance according to ACMG Guidelines, 2015 [PMID:25741868].

Eurofins Ntd Llc (ga)
Classification: Uncertain significance. Last evaluated: 2016-06-20. Review status: criteria provided, single submitter. Criteria: EGL Classification Definitions 2015. Collection method: clinical testing. Allele origin: germline. Observed: 1 variant allele, 1 heterozygote.